The following is an entry in ClinVar:

ClinVar aggregate classification (germline): Conflicting classifications of pathogenicity. Review status: criteria provided, conflicting classifications (1 of 4 stars). 6 submissions from 5 submitters: Likely pathogenic (3); Uncertain significance (3). Last evaluated 2024-03-26.

Conditions:
Male infertility. Identifiers: MedGen C0021364, MeSH D007248, MONDO:0005372, HP:0003251.
Spermatogenic failure 8 (SPGF8). Identifiers: MedGen C3151406, MONDO:0013504, OMIM 613957.
Oligosynaptic infertility (SPGF1). Also called: OLIGOCHIASMATIC INFERTILITY; SPERMATOGENIC FAILURE 1. Identifiers: MedGen C0403810, MONDO:0009776, OMIM 258150.
46 XY differences of sex development. Also called: 46,XY disorder of sex development; 46, XY disorder of sex development (DSD). Identifiers: Orphanet 98085, MedGen C2751824, MONDO:0020040.
46,XY sex reversal 3. Also called: SEX REVERSAL, XY, WITH OR WITHOUT ADRENAL FAILURE; NR5A1-related 46,XY complete gonadal dysgenesis; 46,XY SEX REVERSAL, PARTIAL OR COMPLETE, NR5A1-RELATED; 46,XY GONADAL DYSGENESIS, PARTIAL OR COMPLETE, WITH OR WITHOUT ADRENAL FAILURE; DISORDER OF SEX DEVELOPMENT, 46,XY, NR5A1-RELATED. Identifiers: MedGen C3489793, MONDO:0013066, OMIM 612965.
Non-obstructive azoospermia. Identifiers: MedGen C4021107, HP:0011961.

Allele frequency attached by ClinVar (database versions not stated): TOPMed 0.00004; gnomAD 0.00006 and 0.00007; ExAC 0.00012; gnomAD exomes 0.00007 and 0.00003.
gnomAD v4.1: 58 of 1,600,098 alleles (0.0036%); highest among the groups gnomAD compares: Middle Eastern, 0.12%; no homozygotes.

Submissions (6):

Genomic Medicine Center of Excellence, King Faisal Specialist Hospital and Research Centre
Classification: Uncertain significance for 46,XY sex reversal 3. Last evaluated: 2024-03-26. Review status: criteria provided, single submitter. Criteria: ACMG Guidelines, 2015. Collection method: clinical testing. Allele origin: germline.

Labcorp Genetics (formerly Invitae), Labcorp
Classification: Uncertain significance for 46 XY differences of sex development; Oligosynaptic infertility. Last evaluated: 2024-02-26. Review status: criteria provided, single submitter. Criteria: Invitae Variant Classification Sherloc (09022015). Collection method: clinical testing. Allele origin: germline.
Comment: This sequence change replaces aspartic acid, which is acidic and polar, with asparagine, which is neutral and polar, at codon 238 of the NR5A1 protein (p.Asp238Asn). This variant is present in population databases (rs780568525, gnomAD 0.01%). This missense change has been observed in individual(s) with clinical features of spermatogenic failure (PMID: 20887963, 25989977, 35690514). ClinVar contains an entry for this variant (Variation ID: 1244229). Advanced modeling of protein sequence and biophysical properties (such as structural, functional, and spatial information, amino acid conservation, physicochemical variation, residue mobility, and thermodynamic stability) performed at Invitae indicates that this missense variant is not expected to disrupt NR5A1 protein function with a negative predictive value of 80%. Experimental studies have shown that this missense change affects NR5A1 function (PMID: 20887963, 25989977). In summary, the available evidence is currently insufficient to determine the role of this variant in disease. Therefore, it has been classified as a Variant of Uncertain Significance.

Institute of Reproductive Genetics, University of Münster
Classification: Likely pathogenic for Male infertility. Last evaluated: 2024-01-16. Review status: criteria provided, single submitter. Criteria: Uk Practice Guidelines For Variant Classification V4 01 2020. Collection method: research, in vitro. Allele origin: germline, not applicable. Observed: 2 variant alleles, 2 heterozygotes. Clinical features observed: Azoospermia (HP:0000027).

Institute of Reproductive Genetics, University of Münster
Classification: Likely pathogenic for Non-obstructive azoospermia. Last evaluated: 2022-03-16. Review status: criteria provided, single submitter. Criteria: ACMG Guidelines, 2015. Collection method: research. Allele origin: germline. Affected: yes. Observed: 1 variant allele.

Revvity Omics, Revvity
Classification: Uncertain significance. Last evaluated: 2022-02-26. Review status: criteria provided, single submitter. Criteria: ACMG Guidelines, 2015. Collection method: clinical testing. Allele origin: germline.

MGZ Medical Genetics Center
Classification: Likely pathogenic for Spermatogenic failure 8. Last evaluated: 2021-11-30. Review status: criteria provided, single submitter. Criteria: ACMG Guidelines, 2015. Collection method: clinical testing. Allele origin: germline. Affected: yes. Observed: 1 variant allele.
Comment: ACMG criteria applied: PS3_MOD, PM1, PS4_SUP, PM2_SUP

Literature cited by the submitters: PubMed 20887963 (cited by Labcorp Genetics (formerly Invitae), Labcorp); PubMed 25989977 (cited by Labcorp Genetics (formerly Invitae), Labcorp); PubMed 35690514 (cited by Labcorp Genetics (formerly Invitae), Labcorp).

NM_004959.5(NR5A1):c.712G>A (p.Asp238Asn)

Gene: NR5A1 (nuclear receptor subfamily 5 group A member 1; minus strand). Cytogenetic location: 9q33.3.
Variant type: single nucleotide variant.
Coding change: c.712G>A on transcript NM_004959.5 (MANE Select); coding-DNA position 712, G replaced by A.
Protein change: p.Asp238Asn; replaces aspartic acid 238 with asparagine.
Molecular consequence: missense variant.
Genome position (GRCh38, 1-based): chr9:124,500,248, C>T on the plus strand (G>A on the coding strand, the complement: NR5A1 is on the minus strand). VCF-style: chr9-124500248-C-T. GRCh37 (hg19) VCF-style: chr9-127262527-C-T.
Other names: short protein forms D238N.
Identifiers: ClinVar variation 1244229 (VCV001244229.14), dbSNP rs780568525, ClinGen allele CA5235415.